The following is an entry in ClinVar:

ClinVar aggregate classification (germline): Conflicting classifications of pathogenicity. Review status: criteria provided, conflicting classifications (1 of 4 stars). 6 submissions from 6 submitters: Uncertain significance (1); Likely benign (5). Last evaluated 2026-01-22.

Conditions:
Cardiovascular phenotype. Identifiers: MedGen CN230736.
Walker-Warburg congenital muscular dystrophy. Also called: Muscular dystrophy-dystroglycanopathy, type A; Walker-Warburg syndrome. Identifiers: Orphanet 899, MedGen C0265221, MONDO:0000171.

Allele frequency attached by ClinVar (database versions not stated): gnomAD exomes 0.00001 and 0.00002; ExAC 0.00003; ESP Exome Variant Server 0.00008; TOPMed 0.00012.
gnomAD v4.1: 24 of 1,609,798 alleles (0.0015%); highest among the groups gnomAD compares: African/African-American, 0.028%; no homozygotes.

Submissions (6):

Labcorp Genetics (formerly Invitae), Labcorp
Classification: Likely benign for Walker-Warburg congenital muscular dystrophy. Last evaluated: 2026-01-22. Review status: criteria provided, single submitter. Criteria: Invitae Variant Classification Sherloc (09022015). Collection method: clinical testing. Allele origin: germline.

Molecular Diagnostic Laboratory for Inherited Cardiovascular Disease, Montreal Heart Institute
Classification: Likely benign. Last evaluated: 2025-04-09. Review status: criteria provided, single submitter. Criteria: ACMG Guidelines, 2015. Collection method: clinical testing. Allele origin: germline. Affected: no.
Comment: BP6;BP7

Women's Health and Genetics/Laboratory Corporation of America, LabCorp
Classification: Likely benign. Last evaluated: 2022-05-02. Review status: criteria provided, single submitter. Criteria: LabCorp Variant Classification Summary - May 2015. Collection method: clinical testing. Allele origin: germline.

Blueprint Genetics
Classification: Likely benign. Last evaluated: 2020-08-17. Review status: criteria provided, single submitter. Criteria: ACMG Guidelines, 2015. Collection method: clinical testing. Allele origin: germline.

Ambry Genetics
Classification: Likely benign for Cardiovascular phenotype. Last evaluated: 2020-02-11. Review status: criteria provided, single submitter. Criteria: Ambry Variant Classification Scheme 2023. Collection method: clinical testing. Allele origin: germline.

Eurofins Ntd Llc (ga)
Classification: Uncertain significance. Last evaluated: 2017-01-24. Review status: criteria provided, single submitter. Criteria: EGL Classification Definitions 2015. Collection method: clinical testing. Allele origin: germline. Observed: 1 variant allele, 1 heterozygote.

NM_001079802.2(FKTN):c.342A>G (p.Ala114=)

Gene: FKTN (fukutin; plus strand). Cytogenetic location: 9q31.2.
Variant type: single nucleotide variant.
Coding change: c.342A>G on transcript NM_001079802.2 (MANE Select); coding-DNA position 342, A replaced by G.
Protein change: p.Ala114=; no amino-acid change (alanine 114 retained).
Molecular consequence: synonymous variant. On other transcripts: 5 prime UTR variant (4), non-coding transcript variant (2).
Genome position (GRCh38, 1-based): chr9:105,601,321, A>G. VCF-style: chr9-105601321-A-G. GRCh37 (hg19) VCF-style: chr9-108363602-A-G.
Other names: c.342A>G, p.Ala114= (NM_001198963.2, NM_001351496.2, NM_001351498.2 and 1 more transcripts); c.273A>G, p.Ala91= (NM_001351497.2); c.-173A>G (NM_001351499.2, NM_001351500.2, NM_001351501.2 and 1 more transcripts).
Identifiers: ClinVar variation 499924 (VCV000499924.20), dbSNP rs368598407, ClinGen allele CA5170373.
Genomic context (GRCh38, chr9:105,601,321, plus strand): 5'-TCATGGCTCTACTTCACAATGCAAGTTTTTCTGTGTTCCAAGAGACTTTACTGCATTTGC[A>G]CTGCAGTATCACCTATGGAAGAATGAGGTAAGTGACTTGCTTTCAGATAATGGAATGTGT-3'
Protein context (NP_001073270.1, residues 104-124): FCVPRDFTAF[Ala114=]LQYHLWKNEE